The following is an entry in ClinVar:

ClinVar aggregate classification (germline): Pathogenic (1 of 4 stars; one submission).

Conditions:
Propionic acidemia (PROP). Also called: GLYCINEMIA, KETOTIC; HYPERGLYCINEMIA WITH KETOACIDOSIS AND LEUKOPENIA; KETOTIC HYPERGLYCINEMIA. Identifiers: Orphanet 35, MedGen C0268579, MONDO:0011628, OMIM 606054, HP:0003571.

Allele frequency attached by ClinVar (database versions not stated): TOPMed below 0.00001; gnomAD 0.00001.

Submission:

Labcorp Genetics (formerly Invitae), Labcorp
Classification: Pathogenic for Propionic acidemia. Last evaluated: 2023-01-22. Review status: criteria provided, single submitter. Criteria: Invitae Variant Classification Sherloc (09022015). Collection method: clinical testing. Allele origin: germline.
Comment: For these reasons, this variant has been classified as Pathogenic. This variant has not been reported in the literature in individuals affected with PCCA-related conditions. This variant is not present in population databases (gnomAD no frequency). This sequence change creates a premature translational stop signal (p.Gln247Serfs*6) in the PCCA gene. It is expected to result in an absent or disrupted protein product. Loss-of-function variants in PCCA are known to be pathogenic (PMID: 15464417).

Literature cited by the submitters: PubMed 15464417.

NM_000282.4(PCCA):c.737dup (p.Gln247fs)

Gene: PCCA (propionyl-CoA carboxylase subunit alpha; plus strand). Cytogenetic location: 13q32.3.
Variant type: Duplication.
Coding change: c.737dup on transcript NM_000282.4 (MANE Select); coding-DNA position 737, one base duplicated (C; older notation c.737dupC).
Protein change: p.Gln247fs; shifts the reading frame from glutamine 247.
Molecular consequence: frameshift variant. On other transcripts: 5 prime UTR variant (3), non-coding transcript variant (5).
Genome position (GRCh38, 1-based): chr13:100,262,749, C duplicated. VCF-style (leftmost placement, unchanged base first): chr13-100262748-T-TC. GRCh37 (hg19) VCF-style: chr13-100915002-T-TC.
Other names: c.659dup, p.Gln221fs (NM_001352607.2, NM_001352608.2, NM_001127692.3); c.737dup, p.Gln247fs (NM_001352609.2, NM_001178004.2, NM_001352605.2 and 1 more transcripts); c.-209dup (NM_001352610.2, NM_001352611.2, NM_001352612.2); short protein forms Q247fs, Q221fs.
Identifiers: ClinVar variation 2829428 (VCV002829428.3), dbSNP rs1312402189, ClinGen allele CA694199952.